The following is an entry in ClinVar:

NM_001382567.1(STIM1):c.58G>A (p.Gly20Ser)

Gene: STIM1 (stromal interaction molecule 1; plus strand). Cytogenetic location: 11p15.4.
Variant type: single nucleotide variant.
Coding change: c.58G>A on transcript NM_001382567.1 (MANE Select); coding-DNA position 58, G replaced by A.
Protein change: p.Gly20Ser; replaces glycine 20 with serine.
Molecular consequence: missense variant. On other transcripts: synonymous variant (1), 5 prime UTR variant (1), non-coding transcript variant (3), intron variant (10).
Genome position (GRCh38, 1-based): chr11:3,856,328, G>A. VCF-style: chr11-3856328-G-A. GRCh37 (hg19) VCF-style: chr11-3877558-G-A.
Other names: c.58G>A, p.Gly20Ser (NM_001277962.2, NM_001382568.1, NM_001382570.1 and 3 more transcripts); c.54G>A, p.Arg18= (NM_001382569.1); c.-180G>A (NM_001382571.1); c.-84+1592G>A (NM_001382578.1, NM_001382575.1, NM_001382574.1); c.-220+1592G>A (NM_001382580.1, NM_001382581.1); c.-84+1674G>A (NM_001382576.1); c.-84+912G>A (NM_001382566.1, NM_001382579.1, NM_001382577.1 and 1 more transcripts); short protein forms G20S.
Identifiers: ClinVar variation 1524986 (VCV001524986.10), dbSNP rs2135170451, ClinGen allele CA379196385.

ClinVar aggregate classification (germline): Uncertain significance. Review status: criteria provided, multiple submitters, no conflicts (2 of 4 stars). 2 submissions from 2 submitters: Uncertain significance (2). Last evaluated 2024-12-02.

Conditions:
Stormorken syndrome (STRMK). Also called: THROMBOCYTOPATHY, ASPLENIA, AND MIOSIS. Identifiers: Orphanet 3204, MedGen C1861451, MONDO:0008497, OMIM 185070.
Myopathy with tubular aggregates (TAM). Also called: Tubular Aggregate Myopathy. Identifiers: Orphanet 2593, MedGen C0410207, MONDO:0008051.
Combined immunodeficiency due to STIM1 deficiency. Also called: STIM1 DEFICIENCY; IMMUNODEFICIENCY 10. Identifiers: Orphanet 169090, Orphanet 317430, MedGen C2748557, MONDO:0013008, OMIM 612783.

Submissions (2):

Women's Health and Genetics/Laboratory Corporation of America, LabCorp
Classification: Uncertain significance. Last evaluated: 2024-12-02. Review status: criteria provided, single submitter. Criteria: LabCorp Variant Classification Summary - May 2015. Collection method: clinical testing. Allele origin: germline.
Comment: Variant summary: STIM1 c.58G>A (p.Gly20Ser) results in a non-conservative amino acid change in the encoded protein sequence. Three of five in-silico tools predict a damaging effect of the variant on protein function. The variant was absent in 251412 control chromosomes. The available data on variant occurrences in the general population are insufficient to allow any conclusion about variant significance. To our knowledge, no occurrence of c.58G>A in individuals affected with STIM1-Related Disorders and no experimental evidence demonstrating its impact on protein function have been reported. ClinVar contains an entry for this variant (Variation ID: 1524986). Based on the evidence outlined above, the variant was classified as uncertain significance.

Labcorp Genetics (formerly Invitae), Labcorp
Classification: Uncertain significance for Myopathy with tubular aggregates; Combined immunodeficiency due to STIM1 deficiency; Stormorken syndrome. Last evaluated: 2022-09-23. Review status: criteria provided, single submitter. Criteria: Invitae Variant Classification Sherloc (09022015). Collection method: clinical testing. Allele origin: germline.
Comment: In summary, the available evidence is currently insufficient to determine the role of this variant in disease. Therefore, it has been classified as a Variant of Uncertain Significance. Advanced modeling of protein sequence and biophysical properties (such as structural, functional, and spatial information, amino acid conservation, physicochemical variation, residue mobility, and thermodynamic stability) performed at Invitae indicates that this missense variant is not expected to disrupt STIM1 protein function. ClinVar contains an entry for this variant (Variation ID: 1524986). This variant has not been reported in the literature in individuals affected with STIM1-related conditions. This variant is not present in population databases (gnomAD no frequency). This sequence change replaces glycine, which is neutral and non-polar, with serine, which is neutral and polar, at codon 20 of the STIM1 protein (p.Gly20Ser).